The following is an entry in ClinVar:

ClinVar aggregate classification (germline): Pathogenic. Review status: reviewed by expert panel (3 of 4 stars). 3 submissions from 3 submitters: Pathogenic (1). 2 of the submissions do not count toward it. Last evaluated 2022-03-15.

Conditions:
ITGA2B-related disorder. Also called: ITGA2B-related disorders; ITGA2B-related condition.
Glanzmann thrombasthenia. Also called: THROMBASTHENIA OF GLANZMANN AND NAEGELI; PLATELET GLYCOPROTEIN IIb-IIIa DEFICIENCY; Thrombasthenia; Glanzmann's thrombasthenia. Identifiers: Orphanet 849, MedGen C0040015, MONDO:0100326.

Allele frequency attached by ClinVar (database versions not stated): gnomAD exomes 0.00001; ExAC 0.00004.

Submissions (3):

ClinGen Platelet Disorders Variant Curation Expert Panel, ClinGen
Classification: Pathogenic for Glanzmann thrombasthenia. Last evaluated: 2022-03-15. Review status: reviewed by expert panel. Criteria: ClinGen Platelet ACMG Specifications v2-1. Collection method: curation. Allele origin: germline. Inheritance: Autosomal recessive inheritance.
Comment: The NM_000419.5:c.1424_1427dup (p.Ala477GlyfsTer111) variant in ITGA2B exon 14 is a frameshift variant predicted to cause a premature stop codon in biologically-relevant-exon 18/30 and is predicted to lead to nonsense mediated decay in a gene in which loss-of-function is an established disease mechanism (PVS1). This variant has been detected in at least three probands with Glanzmann thrombasthenia. One of those individuals (GT70, PMID: 19691478) was compound heterozygous for this variant and an ITGA2B variant provisionally classified as pathogenic by the Platelet Disorders VCEP (c.2674_2675insGA (p.Ile892ArgfsTer19), phase not confirmed). The other two individuals (GT20, PMID: 19691478 and PMID: 34267460) were homozygous for the variant. At least one patient (Patient GT20 in PMID: 19691478) with this variant displayed mucocutaneous bleeding and impaired aggregation with all agonists except ristocetin, which is highly specific for Glanzmann thrombasthenia (PP4_Moderate). The highest population minor allele frequency in gnomAD v2.1.1 is 0.0001960 (6/30616 alleles) in the South Asian population. This intermediate allele frequency is lower than the ClinGen PD VCEP threshold (>0.00158) for BS1 but higher than the threshold (<0.0001) for PM2_Supporting. Of note, this variant may represent a founder variant, as it was not observed in any other population in gnomAD v2.1.1. In summary, this variant meets the criteria to be classified as pathogenic for autosomal recessive Glanzmann Thrombasthenia based on the ACMG/AMP criteria applied, as specified by the ClinGen PD VCEP: PVS1, PM3, PP4_Moderate. (VCEP specifications version 2; date of approval 03/15/2022)

Center for Genomic Medicine, Rigshospitalet, Copenhagen University Hospital
Classification: Pathogenic. Last evaluated: 2025-12-29. Review status: criteria provided, single submitter. Criteria: ACMG Guidelines, 2015. Collection method: clinical testing. Allele origin: germline. Not counted in ClinVar's aggregate classification.

Blueprint Genetics
Classification: Pathogenic for ITGA2B-related disorders. Last evaluated: 2024-07-11. Review status: criteria provided, single submitter. Criteria: ACMG Guidelines, 2015. Collection method: clinical testing. Allele origin: germline. Affected: yes. Observed: 4 variant alleles. Not counted in ClinVar's aggregate classification.

Literature cited by the submitters: PubMed 19691478 (cited by Center for Genomic Medicine, Rigshospitalet, Copenhagen University Hospital); PubMed 34267460 (cited by Center for Genomic Medicine, Rigshospitalet, Copenhagen University Hospital).

NM_000419.5(ITGA2B):c.1424_1427dup (p.Ala477fs)

Gene: ITGA2B (integrin subunit alpha 2b; minus strand). Cytogenetic location: 17q21.31.
Variant type: Duplication.
Coding change: c.1424_1427dup on transcript NM_000419.5 (MANE Select); coding-DNA positions 1424 to 1427, 4 bases duplicated (AGGT; older notation c.1424_1427dupAGGT).
Protein change: p.Ala477fs; shifts the reading frame from alanine 477.
Molecular consequence: frameshift variant.
Genome position (GRCh38, 1-based): chr17:44,380,612-44,380,615, ACCT duplicated on the plus strand (AGGT on the coding strand, the reverse complement: ITGA2B is on the minus strand). VCF-style (leftmost placement, unchanged base first): chr17-44380611-C-CACCT. GRCh37 (hg19) VCF-style: chr17-42457979-C-CACCT.
Other names: NM_000419.5:c.1424_1427dup; c.1424_1427dupAGGT (NM_000419.5); short protein forms A477fs.
Identifiers: ClinVar variation 1879055 (VCV001879055.3), dbSNP rs779058045, ClinGen allele CA8603099.